The following is an entry in ClinVar:

NM_003200.5(TCF3):c.1476G>A (p.Ala492=)

Gene: TCF3 (transcription factor 3; minus strand). Cytogenetic location: 19p13.3.
Variant type: single nucleotide variant.
Coding change: c.1476G>A on transcript NM_003200.5 (MANE Select); coding-DNA position 1476, G replaced by A.
Protein change: p.Ala492=; no amino-acid change (alanine 492 retained).
Molecular consequence: synonymous variant.
Genome position (GRCh38, 1-based): chr19:1,615,796, C>T on the plus strand (G>A on the coding strand, the complement: TCF3 is on the minus strand). VCF-style: chr19-1615796-C-T. GRCh37 (hg19) VCF-style: chr19-1615795-C-T.
Other names: c.1476G>A, p.Ala492= (NM_001136139.4, NM_001351779.2); c.1473G>A, p.Ala491= (NM_001351778.2).
Identifiers: ClinVar variation 1623087 (VCV001623087.19), dbSNP rs530078644, ClinGen allele CA9049804.

ClinVar aggregate classification (germline): Likely benign. Review status: criteria provided, multiple submitters, no conflicts (2 of 4 stars). 3 submissions from 3 submitters: Likely benign (3). Last evaluated 2025-06-01.

Allele frequency attached by ClinVar (database versions not stated): TOPMed 0.00003; gnomAD 0.00004 and 0.00005; gnomAD exomes 0.00006; ExAC 0.00009; 1000 Genomes Project 0.00040; 1000 Genomes Project 30x 0.00047.
gnomAD v4.1: 45 of 1,575,388 alleles (0.0029%); highest among the groups gnomAD compares: South Asian, 0.014%; no homozygotes.

Submissions (3):

CeGaT Center for Human Genetics Tuebingen
Classification: Likely benign. Last evaluated: 2025-06-01. Review status: criteria provided, single submitter. Criteria: CeGaT Center For Human Genetics Tuebingen Variant Classification Criteria Version 2. Collection method: clinical testing. Allele origin: germline. Affected: yes. Observed: 1 variant allele.
Comment: TCF3: BP4, BP7

Labcorp Genetics (formerly Invitae), Labcorp
Classification: Likely benign. Last evaluated: 2025-03-12. Review status: criteria provided, single submitter. Criteria: Invitae Variant Classification Sherloc (09022015). Collection method: clinical testing. Allele origin: germline.

Blueprint Genetics
Classification: Likely benign. Last evaluated: 2022-04-06. Review status: criteria provided, single submitter. Criteria: ACMG Guidelines, 2015. Collection method: clinical testing. Allele origin: germline.